The following is an entry in ClinVar:

NM_001199267.2(DGKZ):c.162-604C>T

Gene: DGKZ (diacylglycerol kinase zeta; plus strand). Cytogenetic location: 11p11.2.
Variant type: single nucleotide variant.
Coding change: c.162-604C>T on transcript NM_001199267.2 (MANE Select); 604 bases into the intron before coding-DNA position 162, C replaced by T.
Molecular consequence: intron variant. On other transcripts: missense variant (1).
Genome position (GRCh38, 1-based): chr11:46,366,687, C>T. VCF-style: chr11-46366687-C-T. GRCh37 (hg19) VCF-style: chr11-46388237-C-T.
Other names: c.431C>T, p.Pro144Leu (NM_001105540.2); c.213-604C>T (NM_201532.3); c.177-604C>T (NM_201533.3); c.162-604C>T (NM_001199266.2, NM_003646.4, NM_001199268.2); short protein forms P144L.
Identifiers: ClinVar variation 1650043 (VCV001650043.33), dbSNP rs142912996, ClinGen allele CA5962157.
Genomic context (GRCh38, chr11:46,366,687, plus strand): 5'-AGGATGTGGTAGCCGAGGCATCGAGCGCCATCCAGCCAGGCACCAAGACACCAGGGCCAC[C>T]CCCACCTCGGGGCGCCCAGCCGCTGTTGCCCCTACCCCGCTACCTGCGCCGAGCCTCCTC-3'

ClinVar aggregate classification (germline): Benign/Likely benign. Review status: criteria provided, multiple submitters, no conflicts (2 of 4 stars). 3 submissions from 3 submitters: Benign (2); Likely benign (1). Last evaluated 2025-12-15.

Allele frequency attached by ClinVar (database versions not stated): ExAC 0.00103; ESP Exome Variant Server 0.00111; gnomAD 0.00269 and 0.00281; TOPMed 0.00282; 1000 Genomes Project 30x 0.00453; 1000 Genomes Project 0.00459.
gnomAD v4.1: 807 of 1,574,326 alleles (0.051%); highest among the groups gnomAD compares: African/African-American, 0.93%; 3 homozygotes.

Submissions (3):

Labcorp Genetics (formerly Invitae), Labcorp
Classification: Benign. Last evaluated: 2025-12-15. Review status: criteria provided, single submitter. Criteria: Invitae Variant Classification Sherloc (09022015). Collection method: clinical testing. Allele origin: germline.

CeGaT Center for Human Genetics Tuebingen
Classification: Likely benign. Last evaluated: 2022-12-01. Review status: criteria provided, single submitter. Criteria: CeGaT Center For Human Genetics Tuebingen Variant Classification Criteria Version 2. Collection method: clinical testing. Allele origin: germline. Affected: yes. Observed: 1 variant allele.
Comment: DGKZ: BP4, BS2

Breakthrough Genomics
Classification: Benign. Review status: criteria provided, single submitter. Criteria: ACMG Guidelines, 2015. Collection method: not provided. Allele origin: germline. Inheritance: Unknown mechanism. Affected: yes.